The following is an entry in ClinVar:

ClinVar aggregate classification (germline): Uncertain significance. Review status: criteria provided, multiple submitters, no conflicts (2 of 4 stars). 2 submissions from 2 submitters: Uncertain significance (2). Last evaluated 2026-03-23.

Conditions:
Symmetrical dyschromatosis of extremities (DSH). Also called: DYSCHROMATOSIS SYMMETRICA HEREDITARIA 1; RETICULATE ACROPIGMENTATION OF DOHI; SYMMETRIC DYSCHROMATOSIS OF THE EXTREMITIES; Dyschromatosis symmetrica hereditaria. Identifiers: Orphanet 41, MedGen C0406775, MONDO:0007483, OMIM 127400.
Aicardi-Goutieres syndrome 6 (AGS6). Identifiers: Orphanet 51, MedGen C3539013, MONDO:0014007, OMIM 615010.

Allele frequency attached by ClinVar (database versions not stated): gnomAD exomes below 0.00001.
gnomAD v4.1: 1 of 1,614,090 alleles (0.000062%); highest among the groups gnomAD compares: East Asian, 0.0022%; no homozygotes.

Submissions (2):

GeneDx
Classification: Uncertain significance. Last evaluated: 2026-03-23. Review status: criteria provided, single submitter. Criteria: GeneDx Variant Classification Process June 2021. Collection method: clinical testing. Allele origin: germline.
Comment: Not observed at significant frequency in large population cohorts (gnomAD); In silico analysis suggests that this missense variant does not alter protein structure/function; Has not been previously published as pathogenic or benign to our knowledge

Labcorp Genetics (formerly Invitae), Labcorp
Classification: Uncertain significance for Aicardi-Goutieres syndrome 6; Symmetrical dyschromatosis of extremities. Last evaluated: 2023-11-27. Review status: criteria provided, single submitter. Criteria: Invitae Variant Classification Sherloc (09022015). Collection method: clinical testing. Allele origin: germline.
Comment: This sequence change replaces isoleucine, which is neutral and non-polar, with valine, which is neutral and non-polar, at codon 380 of the ADAR protein (p.Ile380Val). This variant is not present in population databases (gnomAD no frequency). This variant has not been reported in the literature in individuals affected with ADAR-related conditions. Advanced modeling of protein sequence and biophysical properties (such as structural, functional, and spatial information, amino acid conservation, physicochemical variation, residue mobility, and thermodynamic stability) performed at Invitae indicates that this missense variant is not expected to disrupt ADAR protein function with a negative predictive value of 80%. In summary, the available evidence is currently insufficient to determine the role of this variant in disease. Therefore, it has been classified as a Variant of Uncertain Significance.

NM_001111.5(ADAR):c.1138A>G (p.Ile380Val)

Gene: ADAR (adenosine deaminase RNA specific; minus strand). Cytogenetic location: 1q21.3.
Variant type: single nucleotide variant.
Coding change: c.1138A>G on transcript NM_001111.5 (MANE Select); coding-DNA position 1138, A replaced by G.
Protein change: p.Ile380Val; replaces isoleucine 380 with valine.
Molecular consequence: missense variant.
Genome position (GRCh38, 1-based): chr1:154,601,504, T>C on the plus strand (A>G on the coding strand, the complement: ADAR is on the minus strand). VCF-style: chr1-154601504-T-C. GRCh37 (hg19) VCF-style: chr1-154573980-T-C.
Other names: c.253A>G, p.Ile85Val (NM_001025107.3, NM_001193495.2, NM_001365046.1 and 3 more transcripts); c.1165A>G, p.Ile389Val (NM_001365045.1); c.1138A>G, p.Ile380Val (NM_015840.4, NM_015841.4); c.1138A>G (NM_001111.4); short protein forms I85V, I380V, I389V.
Identifiers: ClinVar variation 2934410 (VCV002934410.4), dbSNP rs2526652760, ClinGen allele CA342598486.